The following is an entry in ClinVar:

ClinVar aggregate classification (germline): Uncertain significance (1 of 4 stars; one submission).

Submission:

GeneDx
Classification: Uncertain significance. Last evaluated: 2022-03-28. Review status: criteria provided, single submitter. Criteria: GeneDx Variant Classification Process June 2021. Collection method: clinical testing. Allele origin: germline. Affected: yes.
Comment: Not observed at significant frequency in large population cohorts (gnomAD); In silico analysis supports that this missense variant has a deleterious effect on protein structure/function; Has not been previously published as pathogenic or benign to our knowledge

NM_006766.5(KAT6A):c.4859A>G (p.Gln1620Arg)

Gene: KAT6A (lysine acetyltransferase 6A; minus strand). Cytogenetic location: 8p11.21.
Variant type: single nucleotide variant.
Coding change: c.4859A>G on transcript NM_006766.5 (MANE Select); coding-DNA position 4859, A replaced by G.
Protein change: p.Gln1620Arg; replaces glutamine 1620 with arginine.
Molecular consequence: missense variant.
Genome position (GRCh38, 1-based): chr8:41,933,361, T>C on the plus strand (A>G on the coding strand, the complement: KAT6A is on the minus strand). VCF-style: chr8-41933361-T-C. GRCh37 (hg19) VCF-style: chr8-41790879-T-C.
Other names: short protein forms Q1620R.
Identifiers: ClinVar variation 1707773 (VCV001707773.2), dbSNP rs2486753490, ClinGen allele CA371064471.